The following is an entry in ClinVar:

NC_000002.11:g.(?_170058118)_(170218909_?)dup

Gene: LRP2 (LDL receptor related protein 2; minus strand). Cytogenetic location: 2q31.1.
Variant type: Duplication.
Identifiers: ClinVar variation 1451062 (VCV001451062.4).

ClinVar aggregate classification (germline): Uncertain significance (1 of 4 stars; one submission).

Submission:

Labcorp Genetics (formerly Invitae), Labcorp
Classification: Uncertain significance. Last evaluated: 2021-06-01. Review status: criteria provided, single submitter. Criteria: Invitae Variant Classification Sherloc (09022015). Collection method: clinical testing. Allele origin: germline.
Comment: In summary, the available evidence is currently insufficient to determine the role of this variant in disease. Therefore, it has been classified as a Variant of Uncertain Significance. This variant has not been reported in the literature in individuals with LRP2-related conditions. This variant results in a copy number gain of the genomic region encompassing exon(s) 1-44 of the LRP2 gene. This region includes the initiator codon of the gene. The 5' end of this event is unknown as it extends beyond the assayed region for this gene and therefore may encompass additional genes. The 3' boundary is likely confined to intron 44 of the LRP2 gene. As the precise location of this event is unknown, it may be in tandem or it may be located elsewhere in the genome.